The following is an entry in ClinVar:

ClinVar aggregate classification (germline): Benign/Likely benign. Review status: criteria provided, multiple submitters, no conflicts (2 of 4 stars). 3 submissions from 3 submitters: Benign (1); Likely benign (2). Last evaluated 2025-01-10.

Conditions:
Hereditary cancer-predisposing syndrome. Also called: Hereditary Cancer Syndrome; Neoplastic Syndromes, Hereditary; Tumor predisposition; Hereditary neoplastic syndrome. Identifiers: Orphanet 140162, MedGen C0027672, MeSH D009386, MONDO:0015356.
Familial cancer of breast. Also called: BREAST CANCER, FAMILIAL; Hereditary breast cancer; hereditary breast carcinoma. Identifiers: Orphanet 227535, MedGen C0346153, MONDO:0016419, OMIM 114480. Disease mechanism: loss of function.

gnomAD v4.1: 1 of 1,614,114 alleles (0.000062%); highest among the groups gnomAD compares: Non-Finnish European, 0.000085%; no homozygotes.

Submissions (3):

Myriad Genetics, Inc.
Classification: Benign for Familial cancer of breast. Last evaluated: 2025-01-10. Review status: criteria provided, single submitter. Criteria: Myriad Autosomal Dominant, Autosomal Recessive and X-Linked Classification Criteria (2023). Collection method: clinical testing. Allele origin: unknown.
Comment: This variant is considered benign. This variant is a silent/synonymous amino acid change and it is not expected to impact splicing.

Labcorp Genetics (formerly Invitae), Labcorp
Classification: Likely benign for Familial cancer of breast. Last evaluated: 2024-04-13. Review status: criteria provided, single submitter. Criteria: Invitae Variant Classification Sherloc (09022015). Collection method: clinical testing. Allele origin: germline.

Ambry Genetics
Classification: Likely benign for Hereditary cancer-predisposing syndrome. Last evaluated: 2015-12-15. Review status: criteria provided, single submitter. Criteria: Ambry Variant Classification Scheme 2023. Collection method: clinical testing. Allele origin: germline.

NM_024675.4(PALB2):c.513G>A (p.Leu171=)

Gene: PALB2 (partner and localizer of BRCA2; minus strand). Cytogenetic location: 16p12.2.
Variant type: single nucleotide variant.
Coding change: c.513G>A on transcript NM_024675.4 (MANE Select); coding-DNA position 513, G replaced by A.
Protein change: p.Leu171=; no amino-acid change (leucine 171 retained).
Molecular consequence: synonymous variant.
Genome position (GRCh38, 1-based): chr16:23,636,033, C>T on the plus strand (G>A on the coding strand, the complement: PALB2 is on the minus strand). VCF-style: chr16-23636033-C-T. GRCh37 (hg19) VCF-style: chr16-23647354-C-T.
Identifiers: ClinVar variation 481131 (VCV000481131.16), dbSNP rs1251724216, ClinGen allele CA494461876.
Genomic context (GRCh38, chr16:23,636,033, plus strand): 5'-TGGTGATCTAGCAGGATTTTTGCTACTGATTTCTTCCTGTTCCTTTAGTCTTTTCCCAGA[C>T]AATCTGAGTGAATCAGTGCCAAAGACACAGTCTCTCTCCTGTGAAATAAATGTCCTCTTC-3'
Protein context (NP_078951.2, residues 161-181): DCVFGTDSLR[Leu171=]SGKRLKEQEE